The following is an entry in ClinVar:

ClinVar aggregate classification (germline): Pathogenic (1 of 4 stars; one submission).

Conditions:
MHC class II deficiency. Also called: BLS, TYPE II; Bare lymphocyte syndrome 2. Identifiers: Orphanet 572, MedGen C5447452, MONDO:0008855.

Submission:

Labcorp Genetics (formerly Invitae), Labcorp
Classification: Pathogenic for MHC class II deficiency. Last evaluated: 2021-10-08. Review status: criteria provided, single submitter. Criteria: Invitae Variant Classification Sherloc (09022015). Collection method: clinical testing. Allele origin: germline.
Comment: For these reasons, this variant has been classified as Pathogenic. This variant has not been reported in the literature in individuals affected with CIITA-related conditions. This variant is not present in population databases (gnomAD no frequency). This sequence change creates a premature translational stop signal (p.Pro843Leufs*47) in the CIITA gene. It is expected to result in an absent or disrupted protein product. Loss-of-function variants in CIITA are known to be pathogenic (PMID: 8402893, 9099848, 26271388).

Literature cited by the submitters: PubMed 8402893; PubMed 9099848; PubMed 26271388.

NM_000246.4(CIITA):c.2526del (p.Pro843fs)

Gene: CIITA (class II major histocompatibility complex transactivator; plus strand). Cytogenetic location: 16p13.13.
Variant type: Deletion.
Coding change: c.2526del on transcript NM_000246.4 (MANE Select); coding-DNA position 2526, one base deleted (T; older notation c.2526delT).
Protein change: p.Pro843fs; shifts the reading frame from proline 843.
Molecular consequence: frameshift variant. On other transcripts: intron variant (1).
Genome position (GRCh38, 1-based): chr16:10,908,018, T deleted. VCF-style (leftmost placement, unchanged base first): chr16-10908017-CT-C. GRCh37 (hg19) VCF-style: chr16-11001874-CT-C.
Other names: c.2529del, p.Pro844fs (NM_001286402.1, NM_001379332.1); c.2382del, p.Pro795fs (NM_001379330.1); c.2379del, p.Pro794fs (NM_001379331.1); c.2526del, p.Pro843fs (NM_001379333.1); c.2457del, p.Pro820fs (NM_001379334.1); c.860-965del (NM_001286403.2); short protein forms P843fs, P844fs, P795fs, P794fs, P820fs.
Identifiers: ClinVar variation 1454398 (VCV001454398.6), dbSNP rs2144745003, ClinGen allele CA2573151897.
Genomic context (GRCh38, chr16:10,908,017, plus strand): 5'-GGCAGCACGTGGTACAGGAGCTCCCCGGCCGCCTCTCTTTTCTGGGCACCCGCCTCACGC[CT>C]CCTGATGCACATGTACTGGGCAAGGCCTTGGAGGCGGCGGGCCAAGACTTCTCCCTGGAC-3'